The following is an entry in ClinVar:

ClinVar aggregate classification (germline): Uncertain significance. Review status: criteria provided, multiple submitters, no conflicts (2 of 4 stars). 2 submissions from 2 submitters: Uncertain significance (2). Last evaluated 2025-12-31.

Conditions:
Hereditary cancer-predisposing syndrome. Also called: Neoplastic Syndromes, Hereditary; Tumor predisposition; Hereditary Cancer Syndrome; Hereditary neoplastic syndrome. Identifiers: Orphanet 140162, MedGen C0027672, MeSH D009386, MONDO:0015356.
DICER1-related tumor predisposition. Also called: DICER1 syndrome; DICER1-related pleuropulmonary blastoma cancer predisposition syndrome. Identifiers: Orphanet 284343, MedGen C3839822, MONDO:0100216.

Submissions (2):

Labcorp Genetics (formerly Invitae), Labcorp
Classification: Uncertain significance for DICER1-related tumor predisposition. Last evaluated: 2025-12-31. Review status: criteria provided, single submitter. Criteria: Invitae Variant Classification Sherloc (09022015). Collection method: clinical testing. Allele origin: germline.
Comment: This sequence change replaces asparagine, which is neutral and polar, with lysine, which is basic and polar, at codon 1193 of the DICER1 protein (p.Asn1193Lys). This variant is not present in population databases (gnomAD no frequency). This variant has not been reported in the literature in individuals affected with DICER1-related conditions. ClinVar contains an entry for this variant (Variation ID: 1732847). Invitae Evidence Modeling of protein sequence and biophysical properties (such as structural, functional, and spatial information, amino acid conservation, physicochemical variation, residue mobility, and thermodynamic stability) indicates that this missense variant is not expected to disrupt DICER1 protein function with a negative predictive value of 95%. In summary, the available evidence is currently insufficient to determine the role of this variant in disease. Therefore, it has been classified as a Variant of Uncertain Significance.

Ambry Genetics
Classification: Uncertain significance for Hereditary cancer-predisposing syndrome. Last evaluated: 2022-08-30. Review status: criteria provided, single submitter. Criteria: Ambry Variant Classification Scheme 2023. Collection method: clinical testing. Allele origin: germline.
Comment: The p.N1193K variant (also known as c.3579C>A), located in coding exon 20 of the DICER1 gene, results from a C to A substitution at nucleotide position 3579. The asparagine at codon 1193 is replaced by lysine, an amino acid with similar properties. This amino acid position is conserved. In addition, this alteration is predicted to be tolerated by in silico analysis. Since supporting evidence is limited at this time, the clinical significance of this alteration remains unclear.

NM_177438.3(DICER1):c.3579C>A (p.Asn1193Lys)

Gene: DICER1 (dicer 1, ribonuclease III; minus strand). Cytogenetic location: 14q32.13.
Variant type: single nucleotide variant.
Coding change: c.3579C>A on transcript NM_177438.3 (MANE Select); coding-DNA position 3579, C replaced by A.
Protein change: p.Asn1193Lys; replaces asparagine 1193 with lysine.
Molecular consequence: missense variant. On other transcripts: non-coding transcript variant (6).
Genome position (GRCh38, 1-based): chr14:95,103,817, G>T on the plus strand (C>A on the coding strand, the complement: DICER1 is on the minus strand). VCF-style: chr14-95103817-G-T. GRCh37 (hg19) VCF-style: chr14-95570154-G-T.
Other names: c.3579C>A, p.Asn1193Lys (NM_001395684.1, NM_001395692.1, NM_001395693.1 and 13 more transcripts); c.3297C>A, p.Asn1099Lys (NM_001395686.1); c.3174C>A, p.Asn1058Lys (NM_001395687.1, NM_001395688.1, NM_001395689.1 and 2 more transcripts); c.3012C>A, p.Asn1004Lys (NM_001395691.1); c.1896C>A, p.Asn632Lys (NM_001395697.1); short protein forms N1193K, N632K, N1058K, N1099K, N1004K.
Identifiers: ClinVar variation 1732847 (VCV001732847.3), dbSNP rs1891139102, ClinGen allele CA390874844.